The following is an entry in ClinVar:

NM_014915.3(ANKRD26):c.1423G>A (p.Glu475Lys)

Gene: ANKRD26 (ankyrin repeat domain containing 26; minus strand). Cytogenetic location: 10p12.1.
Variant type: single nucleotide variant.
Coding change: c.1423G>A on transcript NM_014915.3 (MANE Select); coding-DNA position 1423, G replaced by A.
Protein change: p.Glu475Lys; replaces glutamic acid 475 with lysine.
Molecular consequence: missense variant.
Genome position (GRCh38, 1-based): chr10:27,061,183, C>T on the plus strand (G>A on the coding strand, the complement: ANKRD26 is on the minus strand). VCF-style: chr10-27061183-C-T. GRCh37 (hg19) VCF-style: chr10-27350112-C-T.
Other names: c.1423G>A, p.Glu475Lys (NM_001256053.2); short protein forms E475K.
Identifiers: ClinVar variation 3867954 (VCV003867954.1).
Genomic context (GRCh38, chr10:27,061,183, plus strand): 5'-ATACGCATTTTTTTTCCATACCCATGTGGGCTACTGGCATGCCTACATTTCTTGTATCCT[C>T]TAGTTTAGCCATCTTAAAGTTTCTTGATCCACTCATGCAAGAAGGTATATAAAACACATC-3'
Protein context (NP_055730.2, residues 465-485): GSRNFKMAKL[Glu475Lys]DTRNVGMPVA

ClinVar aggregate classification (germline): Uncertain significance (1 of 4 stars; one submission).

Conditions:
Inborn genetic diseases. Identifiers: MedGen C0950123, MeSH D030342.

gnomAD v4.1: 4 of 1,612,646 alleles (0.00025%); highest among the groups gnomAD compares: Admixed American, 0.0017%; no homozygotes.

Submission:

Ambry Genetics
Classification: Uncertain significance for Inborn genetic diseases. Last evaluated: 2024-12-20. Review status: criteria provided, single submitter. Criteria: Ambry Variant Classification Scheme 2023. Collection method: clinical testing. Allele origin: germline.
Comment: The p.E475K variant (also known as c.1423G>A), located in coding exon 13 of the ANKRD26 gene, results from a G to A substitution at nucleotide position 1423. The glutamic acid at codon 475 is replaced by lysine, an amino acid with similar properties. This amino acid position is conserved. In addition, this alteration is predicted to be tolerated by in silico analysis. Based on the available evidence, the clinical significance of this variant remains unclear.